The following is an entry in ClinVar:

NM_000138.5(FBN1):c.6037+1G>A

Gene: FBN1 (fibrillin 1; minus strand). Cytogenetic location: 15q21.1.
Variant type: single nucleotide variant.
Coding change: c.6037+1G>A on transcript NM_000138.5 (MANE Select); the canonical splice donor site of the intron after coding-DNA position 6037, G replaced by A.
Molecular consequence: splice donor variant.
Genome position (GRCh38, 1-based): chr15:48,444,540, C>T on the plus strand (G>A on the coding strand, the complement: FBN1 is on the minus strand). VCF-style: chr15-48444540-C-T. GRCh37 (hg19) VCF-style: chr15-48736737-C-T.
Other names: c.6037+1G>A (NM_001406716.1).
Identifiers: ClinVar variation 423795 (VCV000423795.7), dbSNP rs1064796636, ClinGen allele CA16619947.

ClinVar aggregate classification (germline): Pathogenic/Likely pathogenic. Review status: criteria provided, multiple submitters, no conflicts (2 of 4 stars). 3 submissions from 3 submitters: Pathogenic (1); Likely pathogenic (2). Last evaluated 2023-03-27.

Conditions:
Familial thoracic aortic aneurysm and aortic dissection (TAAD). Also called: Thoracic aortic aneurysms and dissections. Identifiers: Orphanet 91387, MedGen C4707243, MONDO:0019625.
Marfan syndrome (MFS). Also called: FBN1-Related Marfan Syndrome; MARFAN SYNDROME, TYPE I; Marfan syndrome type 1; Marfan's syndrome; Marfan syndrome, classic. Identifiers: Orphanet 284963, Orphanet 558, MedGen C0024796, MONDO:0007947, OMIM 154700.

Submissions (3):

GeneDx
Classification: Likely pathogenic. Last evaluated: 2023-03-27. Review status: criteria provided, single submitter. Criteria: GeneDx Variant Classification Process June 2021. Collection method: clinical testing. Allele origin: germline. Affected: yes.
Comment: Canonical splice site variant expected to result in aberrant splicing, although in the absence of functional evidence the actual effect of this sequence change is unknown.; Not observed at significant frequency in large population cohorts (gnomAD); Deletions involving coding exons of this gene are a known mechanism of disease (HGMD; other references); Has not been previously published as pathogenic or benign to our knowledge; This variant is associated with the following publications: (PMID: 15241795)

Ambry Genetics
Classification: Likely pathogenic for Familial thoracic aortic aneurysm and aortic dissection. Last evaluated: 2018-06-29. Review status: criteria provided, single submitter. Criteria: Ambry Variant Classification Scheme 2023. Collection method: clinical testing. Allele origin: germline.
Comment: The c.6037+1G>A intronic variant results from a G to A substitution one nucleotide after coding exon 48 of the FBN1 gene. This nucleotide position is highly conserved in available vertebrate species. Using the BDGP and ESEfinder splice site prediction tools, this alteration is predicted to abolish the native splice donor site; however, direct evidence is unavailable. Alterations that disrupt the canonical splice site are expected to cause aberrant splicing, resulting in an abnormal protein or a transcript that is subject to nonsense-mediated mRNA decay. As such, this alteration is classified as likely pathogenic.

Clinical Genetics Service, Universitary Hospital 12 de Octubre
Classification: Pathogenic for Marfan syndrome. Review status: criteria provided, single submitter. Criteria: ACMG Guidelines, 2015. Collection method: clinical testing. Allele origin: germline. Affected: yes.